The following is an entry in ClinVar:

ClinVar aggregate classification (germline): Uncertain significance (1 of 4 stars; one submission).

Conditions:
Emery-Dreifuss muscular dystrophy 4, autosomal dominant (EDMD4). Also called: EMERY-DREIFUSS MUSCULAR DYSTROPHY 4 WITH VARIABLE FEATURES. Identifiers: Orphanet 261, MedGen C2751807, MONDO:0013071, OMIM 612998.
Autosomal recessive ataxia, Beauce type. Also called: Spinocerebellar ataxia, autosomal recessive 8; ATAXIA, RECESSIVE, OF BEAUCE; SYNE1 Deficiency; SYNE1-Related Autosomal Recessive Cerebellar Ataxia. Identifiers: Orphanet 88644, MedGen C1853116, MONDO:0012549, OMIM 610743.

Submission:

Labcorp Genetics (formerly Invitae), Labcorp
Classification: Uncertain significance for Emery-Dreifuss muscular dystrophy 4, autosomal dominant; Autosomal recessive ataxia, Beauce type. Last evaluated: 2022-04-18. Review status: criteria provided, single submitter. Criteria: Invitae Variant Classification Sherloc (09022015). Collection method: clinical testing. Allele origin: germline.
Comment: Algorithms developed to predict the effect of missense changes on protein structure and function output the following: SIFT: "Tolerated"; PolyPhen-2: "Benign"; Align-GVGD: "Class C0". The lysine amino acid residue is found in multiple mammalian species, which suggests that this missense change does not adversely affect protein function. In summary, the available evidence is currently insufficient to determine the role of this variant in disease. Therefore, it has been classified as a Variant of Uncertain Significance. This variant has not been reported in the literature in individuals affected with SYNE1-related conditions. This variant is not present in population databases (gnomAD no frequency). This sequence change replaces glutamic acid, which is acidic and polar, with lysine, which is basic and polar, at codon 8722 of the SYNE1 protein (p.Glu8722Lys).

NM_182961.4(SYNE1):c.26308G>A (p.Glu8770Lys)

Genes: ESR1 (estrogen receptor 1; plus strand), SYNE1 (spectrin repeat containing nuclear envelope protein 1; minus strand). Cytogenetic location: 6q25.2.
Variant type: single nucleotide variant.
Coding change: c.26308G>A on transcript NM_182961.4 (MANE Select); coding-DNA position 26308, G replaced by A.
Protein change: p.Glu8770Lys; replaces glutamic acid 8770 with lysine.
Molecular consequence: missense variant. On other transcripts: intron variant (1), 3 prime UTR variant (1).
Genome position (GRCh38, 1-based): chr6:152,122,522, C>T on the plus strand (G>A on the coding strand, the complement: SYNE1 is on the minus strand). VCF-style: chr6-152122522-C-T. GRCh37 (hg19) VCF-style: chr6-152443657-C-T.
Other names: c.26164G>A, p.Glu8722Lys (NM_033071.5); c.851-2744C>T (NM_001328100.2); c.*119G>A (NM_001347701.2); c.2842G>A, p.Glu948Lys (NM_001347702.2); short protein forms E8770K, E948K, E8722K.
Identifiers: ClinVar variation 2057948 (VCV002057948.4), dbSNP rs2549091455, ClinGen allele CA366088749.